The following is an entry in ClinVar:

ClinVar aggregate classification (germline): Benign/Likely benign. Review status: criteria provided, multiple submitters, no conflicts (2 of 4 stars). 5 submissions from 5 submitters: Benign (1); Likely benign (4). Last evaluated 2025-09-07.

Conditions:
COL4A1-related disorder. Also called: COL4A1-related disorders; COL4A1-related condition. Identifiers: MedGen CN376119, MONDO:0800461.
Autosomal dominant familial hematuria-retinal arteriolar tortuosity-contractures syndrome. Also called: Hereditary Angiopathy with Nephropathy, Aneurysms, and Muscle Cramps (HANAC) Syndrome; Angiopathy, hereditary, with nephropathy, aneurysms, and muscle cramps. Identifiers: Orphanet 73229, MedGen C2673195, MONDO:0012726, OMIM 611773.
Brain small vessel disease 1 with or without ocular anomalies (BSVD1). Also called: PORENCEPHALY, TYPE 1, AUTOSOMAL DOMINANT; GOULD SYNDROME 1; BRAIN SMALL VESSEL DISEASE WITH HEMORRHAGE; Brain small vessel disease with or without ocular anomalies. Identifiers: Orphanet 2940, Orphanet 36383, Orphanet 99810, MedGen C4755307, MONDO:0008289, OMIM 175780.
Hemorrhage, intracerebral, susceptibility to (ICH). Also called: Stroke, hemorrhagic, susceptibility to. Identifiers: MedGen C3281105, MONDO:0100533, OMIM 614519.
Microangiopathy and leukoencephalopathy, pontine, autosomal dominant. Also called: Pontine autosomal dominant microangiopathy with leukoencephalopathy; DEMENTIA, HEREDITARY MULTI-INFARCT, SWEDISH TYPE. Identifiers: Orphanet 477749, MedGen C5231411, MONDO:0032814, OMIM 618564.
Retinal arterial tortuosity. Also called: Retinal arteries, tortuosity of; RETINAL HEMORRHAGE WITH VASCULAR TORTUOSITY. Identifiers: Orphanet 75326, MedGen C0423401, MONDO:0008373, OMIM 180000, HP:0000631.

Allele frequency attached by ClinVar (database versions not stated): TOPMed 0.00002; gnomAD 0.00006; gnomAD exomes 0.00008 and 0.00017; ExAC 0.00016.

Submissions (5):

Labcorp Genetics (formerly Invitae), Labcorp
Classification: Benign. Last evaluated: 2025-09-07. Review status: criteria provided, single submitter. Criteria: Invitae Variant Classification Sherloc (09022015). Collection method: clinical testing. Allele origin: germline.

PreventionGenetics, part of Exact Sciences
Classification: Likely benign for COL4A1-related condition. Last evaluated: 2024-12-06. Review status: criteria provided, single submitter. Criteria: ACMG Guidelines, 2015. Collection method: clinical testing. Allele origin: germline.
Comment: This variant is classified as likely benign based on ACMG/AMP sequence variant interpretation guidelines (Richards et al. 2015 PMID: 25741868, with internal and published modifications).

Blueprint Genetics
Classification: Likely benign. Last evaluated: 2024-07-09. Review status: criteria provided, single submitter. Criteria: ACMG Guidelines, 2015. Collection method: clinical testing. Allele origin: germline.

GeneDx
Classification: Likely benign. Last evaluated: 2023-02-22. Review status: criteria provided, single submitter. Criteria: GeneDx Variant Classification Process June 2021. Collection method: clinical testing. Allele origin: germline. Affected: yes.
Comment: See Variant Classification Assertion Criteria.

Fulgent Genetics
Classification: Likely benign for Brain small vessel disease 1 with or without ocular anomalies; Retinal arterial tortuosity; Autosomal dominant familial hematuria-retinal arteriolar tortuosity-contractures syndrome; Hemorrhage, intracerebral, susceptibility to; Microangiopathy and leukoencephalopathy, pontine, autosomal dominant. Last evaluated: 2021-10-20. Review status: criteria provided, single submitter. Criteria: ACMG Guidelines, 2015. Collection method: clinical testing. Allele origin: unknown.

NM_001845.6(COL4A1):c.958-4del

Gene: COL4A1 (collagen type IV alpha 1 chain; minus strand). Cytogenetic location: 13q34.
Variant type: Deletion.
Coding change: c.958-4del on transcript NM_001845.6 (MANE Select); 4 bases into the intron before coding-DNA position 958, one base deleted (G; older notation c.958-4delG).
Molecular consequence: intron variant.
Genome position (GRCh38, 1-based): chr13:110,203,611, C deleted on the plus strand (G on the coding strand, the reverse complement: COL4A1 is on the minus strand). VCF-style (leftmost placement, unchanged base first): chr13-110203610-AC-A. GRCh37 (hg19) VCF-style: chr13-110855957-AC-A.
Other names: c.958-4delG (NM_001845.5); c.958-4del (NM_001303110.2).
Identifiers: ClinVar variation 1613837 (VCV001613837.12), dbSNP rs773018457, ClinGen allele CA7048179.